The following is an entry in ClinVar:

NM_002691.4(POLD1):c.2403C>T (p.Tyr801=)

Gene: POLD1 (DNA polymerase delta 1, catalytic subunit; plus strand). Cytogenetic location: 19q13.33.
Variant type: single nucleotide variant.
Coding change: c.2403C>T on transcript NM_002691.4 (MANE Select); coding-DNA position 2403, C replaced by T.
Protein change: p.Tyr801=; no amino-acid change (tyrosine 801 retained).
Molecular consequence: synonymous variant. On other transcripts: non-coding transcript variant (1).
Genome position (GRCh38, 1-based): chr19:50,414,829, C>T. VCF-style: chr19-50414829-C-T. GRCh37 (hg19) VCF-style: chr19-50918086-C-T.
Other names: c.2403C>T, p.Tyr801= (NM_001256849.1); c.2481C>T, p.Tyr827= (NM_001308632.1); c.2403C>T (NM_002691.2).
Identifiers: ClinVar variation 2022768 (VCV002022768.5), dbSNP rs2514047020, ClinGen allele CA508186020.

ClinVar aggregate classification (germline): Uncertain significance. Review status: criteria provided, multiple submitters, no conflicts (2 of 4 stars). 2 submissions from 2 submitters: Uncertain significance (2). Last evaluated 2026-02-06.

Conditions:
Hereditary cancer-predisposing syndrome. Also called: Tumor predisposition; Neoplastic Syndromes, Hereditary; Hereditary Cancer Syndrome; Hereditary neoplastic syndrome. Identifiers: Orphanet 140162, MedGen C0027672, MeSH D009386, MONDO:0015356.
POLD1-related polyposis and colorectal cancer syndrome (CRCS10). Also called: Colorectal cancer 10; COLORECTAL CANCER, SUSCEPTIBILITY TO, ON CHROMOSOME 19q; Colorectal cancer, susceptibility to, 10. Identifiers: Orphanet 220460, MedGen C2675481, MONDO:0012953, OMIM 612591.

Submissions (2):

Ambry Genetics
Classification: Uncertain significance for Hereditary cancer-predisposing syndrome. Last evaluated: 2026-02-06. Review status: criteria provided, single submitter. Criteria: Ambry Variant Classification Scheme 2023. Collection method: clinical testing. Allele origin: germline.
Comment: The c.2403C>T variant (also known as p.Y801Y), located in coding exon 19 of the POLD1 gene, results from a C to T substitution at nucleotide position 2403. This nucleotide substitution does not change the at codon 801. However, this change occurs in the base pair of coding exon 19, which makes it likely to have some effect on normal mRNA splicing. This nucleotide position is not well conserved in available vertebrate species. In silico splice site analysis predicts that this alteration may result in the creation or strengthening of a novel splice acceptor site. Based on the available evidence, the clinical significance of this variant remains unclear.

Labcorp Genetics (formerly Invitae), Labcorp
Classification: Uncertain significance for POLD1-related polyposis and colorectal cancer syndrome. Last evaluated: 2025-09-08. Review status: criteria provided, single submitter. Criteria: Invitae Variant Classification Sherloc (09022015). Collection method: clinical testing. Allele origin: germline.
Comment: This sequence change affects codon 801 of the POLD1 mRNA. It is a 'silent' change, meaning that it does not change the encoded amino acid sequence of the POLD1 protein. This variant is not present in population databases (gnomAD no frequency). This variant has not been reported in the literature in individuals affected with POLD1-related conditions. ClinVar contains an entry for this variant (Variation ID: 2022768). Algorithms developed to predict the effect of sequence changes on RNA splicing suggest that this variant may create or strengthen a splice site. In summary, the available evidence is currently insufficient to determine the role of this variant in disease. Therefore, it has been classified as a Variant of Uncertain Significance.